The following is an entry in ClinVar:

ClinVar aggregate classification (germline): Benign (0 of 4 stars; one submission).

Conditions:
SPAG17-related disorder. Also called: SPAG17-related condition.

Allele frequency attached by ClinVar (database versions not stated): 1000 Genomes Project 0.01298; 1000 Genomes Project 30x 0.01515; TOPMed 0.02081; gnomAD 0.02191; ExAC 0.02220; ESP Exome Variant Server 0.02391; gnomAD exomes 0.02865.
gnomAD v4.1: 44,834 of 1,613,550 alleles (2.8%); highest among the groups gnomAD compares: Non-Finnish European, 3.3%; 738 homozygotes.

Submission:

PreventionGenetics, part of Exact Sciences
Classification: Benign for SPAG17-related condition. Last evaluated: 2019-10-21. Review status: no assertion criteria provided. Collection method: clinical testing. Allele origin: germline.
Comment: This variant is classified as benign based on ACMG/AMP sequence variant interpretation guidelines (Richards et al. 2015 PMID: 25741868, with internal and published modifications).

NM_206996.4(SPAG17):c.5239A>G (p.Lys1747Glu)

Gene: SPAG17 (sperm associated antigen 17; minus strand). Cytogenetic location: 1p12.
Variant type: single nucleotide variant.
Coding change: c.5239A>G on transcript NM_206996.4 (MANE Select); coding-DNA position 5239, A replaced by G.
Protein change: p.Lys1747Glu; replaces lysine 1747 with glutamic acid.
Molecular consequence: missense variant.
Genome position (GRCh38, 1-based): chr1:117,992,588, T>C on the plus strand (A>G on the coding strand, the complement: SPAG17 is on the minus strand). VCF-style: chr1-117992588-T-C. GRCh37 (hg19) VCF-style: chr1-118535211-T-C.
Other names: short protein forms K1747E.
Identifiers: ClinVar variation 3037445 (VCV003037445.2), dbSNP rs35290515, ClinGen allele CA1033177.